The following is an entry in ClinVar:

ClinVar aggregate classification (germline): Benign. Review status: criteria provided, multiple submitters, no conflicts (2 of 4 stars). 3 submissions from 3 submitters: Benign (2). 1 of the submissions does not count toward it. Last evaluated 2025-08-23.

Conditions:
NUP160-related disorder. Also called: NUP160-related condition.

Allele frequency attached by ClinVar (database versions not stated): ESP Exome Variant Server 0.00008; TOPMed 0.00012; gnomAD exomes 0.00062 and 0.00112; gnomAD 0.00071 and 0.00078; 1000 Genomes Project 30x 0.00078; 1000 Genomes Project 0.00100; ExAC 0.00112.
gnomAD v4.1: 1,026 of 1,613,742 alleles (0.064%); highest among the groups gnomAD compares: South Asian, 0.31%; 4 homozygotes.

Submissions (3):

Labcorp Genetics (formerly Invitae), Labcorp
Classification: Benign. Last evaluated: 2025-08-23. Review status: criteria provided, single submitter. Criteria: Invitae Variant Classification Sherloc (09022015). Collection method: clinical testing. Allele origin: germline.

Breakthrough Genomics
Classification: Benign. Review status: criteria provided, single submitter. Criteria: ACMG Guidelines, 2015. Collection method: not provided. Allele origin: germline. Inheritance: Autosomal recessive inheritance. Affected: yes.

PreventionGenetics, part of Exact Sciences
Classification: Benign for NUP160-related condition. Last evaluated: 2020-06-12. Review status: no assertion criteria provided. Collection method: clinical testing. Allele origin: germline. Not counted in ClinVar's aggregate classification.
Comment: This variant is classified as benign based on ACMG/AMP sequence variant interpretation guidelines (Richards et al. 2015 PMID: 25741868, with internal and published modifications).

NM_015231.3(NUP160):c.1881A>G (p.Lys627=)

Gene: NUP160 (nucleoporin 160; minus strand). Cytogenetic location: 11p11.2.
Variant type: single nucleotide variant.
Coding change: c.1881A>G on transcript NM_015231.3 (MANE Select); coding-DNA position 1881, A replaced by G.
Protein change: p.Lys627=; no amino-acid change (lysine 627 retained).
Molecular consequence: synonymous variant. On other transcripts: non-coding transcript variant (1).
Genome position (GRCh38, 1-based): chr11:47,812,399, T>C on the plus strand (A>G on the coding strand, the complement: NUP160 is on the minus strand). VCF-style: chr11-47812399-T-C. GRCh37 (hg19) VCF-style: chr11-47833951-T-C.
Identifiers: ClinVar variation 724593 (VCV000724593.10), dbSNP rs186987850, ClinGen allele CA5981155.
Genomic context (GRCh38, chr11:47,812,399, plus strand): 5'-ATAATCCATTTCCCGTATAAGTAGTCCAATTGCATGGATTGGGTTCCTAATCTCTTGCAG[T>C]TTACTACAAATATCCTCCATCACATTTTCTCTATAAGGACAATTACAAAACTCTTATTAC-3'
Protein context (NP_056046.2, residues 617-637): VENVMEDICS[Lys627=]LQEIRNPIHA